The following is an entry in ClinVar:

NM_001134363.3(RBM20):c.1643A>G (p.Tyr548Cys)

Gene: RBM20 (RNA binding motif protein 20; plus strand). Cytogenetic location: 10q25.2.
Variant type: single nucleotide variant.
Coding change: c.1643A>G on transcript NM_001134363.3 (MANE Select); coding-DNA position 1643, A replaced by G.
Protein change: p.Tyr548Cys; replaces tyrosine 548 with cysteine.
Molecular consequence: missense variant.
Genome position (GRCh38, 1-based): chr10:110,797,623, A>G. VCF-style: chr10-110797623-A-G. GRCh37 (hg19) VCF-style: chr10-112557381-A-G.
Other names: short protein forms Y548C.
Identifiers: ClinVar variation 962316 (VCV000962316.10), dbSNP rs1844568332, ClinGen allele CA378390217.
Genomic context (GRCh38, chr10:110,797,623, plus strand): 5'-GAAGCTGCACTGAGAATGACGTCATTAACCTGGGGCTGCCCTTTGGAAAGGTCACTAATT[A>G]CATCCTCATGAAGTCGACTAATCAGGTAGGTCTGGGTACTTTCACTCCAGTGTATATGCC-3'
Protein context (NP_001127835.2, residues 538-558): LGLPFGKVTN[Tyr548Cys]ILMKSTNQAF

ClinVar aggregate classification (germline): Uncertain significance. Review status: criteria provided, multiple submitters, no conflicts (2 of 4 stars). 2 submissions from 2 submitters: Uncertain significance (2). Last evaluated 2021-03-30.

Conditions:
Dilated cardiomyopathy 1DD (CMD1DD). Identifiers: Orphanet 154, MedGen C2750995, MONDO:0013168, OMIM 613172.

Allele frequency attached by ClinVar (database versions not stated): gnomAD exomes below 0.00001.
gnomAD v4.1: 1 of 1,551,832 alleles (0.000064%); highest among the groups gnomAD compares: South Asian, 0.0012%; no homozygotes.

Submissions (2):

Center for Genomics, Ann and Robert H. Lurie Children's Hospital of Chicago
Classification: Uncertain significance for Dilated cardiomyopathy 1DD. Last evaluated: 2021-03-30. Review status: criteria provided, single submitter. Criteria: ACMG Guidelines, 2015. Collection method: clinical testing. Allele origin: germline.
Comment: RBM20 NM_001134363.2 exon 6 p.Tyr548Cys (c.1643A>G): This variant has not been reported in the literature and is not present in large control databases. Evolutionary conservation and computational predictive tools suggest that this variant may impact the protein. In summary, data on this variant is insufficient for disease classification. Therefore, the clinical significance of this variant is uncertain.

Labcorp Genetics (formerly Invitae), Labcorp
Classification: Uncertain significance for Dilated cardiomyopathy 1DD. Last evaluated: 2019-08-22. Review status: criteria provided, single submitter. Criteria: Invitae Variant Classification Sherloc (09022015). Collection method: clinical testing. Allele origin: germline.
Comment: This sequence change replaces tyrosine with cysteine at codon 548 of the RBM20 protein (p.Tyr548Cys). The tyrosine residue is highly conserved and there is a large physicochemical difference between tyrosine and cysteine. This variant is not present in population databases (ExAC no frequency). This variant has not been reported in the literature in individuals with RBM20-related conditions. Algorithms developed to predict the effect of missense changes on protein structure and function are either unavailable or do not agree on the potential impact of this missense change (SIFT: "Deleterious"; PolyPhen-2: "Probably Damaging"; Align-GVGD: "Class C0"). In summary, the available evidence is currently insufficient to determine the role of this variant in disease. Therefore, it has been classified as a Variant of Uncertain Significance.